The following is an entry in ClinVar:

NM_001142800.2(EYS):c.9354del (p.Gln3119fs)

Genes: EYS (EGF-like photoreceptor maintenance factor; minus strand), PHF3 (PHD finger protein 3; plus strand). Cytogenetic location: 6q12.
Variant type: Deletion.
Coding change: c.9354del on transcript NM_001142800.2 (MANE Select); coding-DNA position 9354, one base deleted (T; older notation c.9354delT).
Protein change: p.Gln3119fs; shifts the reading frame from glutamine 3119.
Molecular consequence: frameshift variant. On other transcripts: 3 prime UTR variant (5).
Genome position (GRCh38, 1-based): chr6:63,720,677, A deleted on the plus strand (T on the coding strand, the reverse complement: EYS is on the minus strand); the first of 6 consecutive A bases (chr6:63,720,677-63,720,682); deleting any one gives the same sequence. VCF-style (leftmost placement, unchanged base first): chr6-63720676-GA-G. GRCh37 (hg19) VCF-style: chr6-64430572-GA-G.
Other names: c.*6974del (NM_001290259.2, NM_001370348.2, NM_001370349.2 and 2 more transcripts); c.9417del, p.Gln3140fs (NM_001292009.2); short protein forms Q3119fs, Q3140fs.
Identifiers: ClinVar variation 1455188 (VCV001455188.6), dbSNP rs771640639, ClinGen allele CA645556694.

ClinVar aggregate classification (germline): Pathogenic (1 of 4 stars; one submission).

Submission:

Labcorp Genetics (formerly Invitae), Labcorp
Classification: Pathogenic. Last evaluated: 2021-08-07. Review status: criteria provided, single submitter. Criteria: Invitae Variant Classification Sherloc (09022015). Collection method: clinical testing. Allele origin: germline.
Comment: This sequence change creates a premature translational stop signal (p.Gln3119Argfs*8) in the EYS gene. While this is not anticipated to result in nonsense mediated decay, it is expected to disrupt the last 26 amino acid(s) of the EYS protein. This variant is not present in population databases (ExAC no frequency). This variant has not been reported in the literature in individuals affected with EYS-related conditions. This variant disrupts a region of the EYS protein in which other variant(s) (p.Ile3127Asnfs*2) have been determined to be pathogenic (Invitae). This suggests that this is a clinically significant region of the protein, and that variants that disrupt it are likely to be disease-causing. For these reasons, this variant has been classified as Pathogenic.